The following is an entry in ClinVar:

NM_015450.3(POT1):c.1588G>C (p.Ala530Pro)

Gene: POT1 (protection of telomeres 1; minus strand). Cytogenetic location: 7q31.33.
Variant type: single nucleotide variant.
Coding change: c.1588G>C on transcript NM_015450.3 (MANE Select); coding-DNA position 1588, G replaced by C.
Protein change: p.Ala530Pro; replaces alanine 530 with proline.
Molecular consequence: missense variant. On other transcripts: non-coding transcript variant (2).
Genome position (GRCh38, 1-based): chr7:124,829,260, C>G on the plus strand (G>C on the coding strand, the complement: POT1 is on the minus strand). VCF-style: chr7-124829260-C-G. GRCh37 (hg19) VCF-style: chr7-124469314-C-G.
Other names: c.1588G>C (NM_015450.2); c.1195G>C, p.Ala399Pro (NM_001042594.2); short protein forms A530P, A399P.
Identifiers: ClinVar variation 1475354 (VCV001475354.7), dbSNP rs1180650416, ClinGen allele CA369064305.

ClinVar aggregate classification (germline): Uncertain significance. Review status: criteria provided, multiple submitters, no conflicts (2 of 4 stars). 2 submissions from 2 submitters: Uncertain significance (2). Last evaluated 2025-08-14.

Conditions:
Tumor predisposition syndrome 3 (TPDS3). Also called: Melanoma, cutaneous malignant, susceptibility to, 10; LONG TELOMERE SYNDROME, POT1-RELATED; POT1 Tumor Predisposition; Glioma susceptibility 9. Identifiers: Orphanet 618, MedGen C4014476, MONDO:0014368, OMIM 615848.
Hereditary cancer-predisposing syndrome. Also called: Tumor predisposition; Neoplastic Syndromes, Hereditary; Hereditary Cancer Syndrome; Hereditary neoplastic syndrome. Identifiers: Orphanet 140162, MedGen C0027672, MeSH D009386, MONDO:0015356.

Allele frequency attached by ClinVar (database versions not stated): TOPMed below 0.00001.
gnomAD v4.1: 2 of 1,595,726 alleles (0.00013%); highest among the groups gnomAD compares: Admixed American, 0.0017%; no homozygotes.

Submissions (2):

Labcorp Genetics (formerly Invitae), Labcorp
Classification: Uncertain significance for Tumor predisposition syndrome 3. Last evaluated: 2025-08-14. Review status: criteria provided, single submitter. Criteria: Invitae Variant Classification Sherloc (09022015). Collection method: clinical testing. Allele origin: germline.
Comment: This sequence change replaces alanine, which is neutral and non-polar, with proline, which is neutral and non-polar, at codon 530 of the POT1 protein (p.Ala530Pro). This variant is present in population databases (no rsID available, gnomAD 0.003%). This variant has not been reported in the literature in individuals affected with POT1-related conditions. ClinVar contains an entry for this variant (Variation ID: 1475354). Invitae Evidence Modeling of protein sequence and biophysical properties (such as structural, functional, and spatial information, amino acid conservation, physicochemical variation, residue mobility, and thermodynamic stability) indicates that this missense variant is not expected to disrupt POT1 protein function with a negative predictive value of 80%. In summary, the available evidence is currently insufficient to determine the role of this variant in disease. Therefore, it has been classified as a Variant of Uncertain Significance.

Ambry Genetics
Classification: Uncertain significance for Hereditary cancer-predisposing syndrome. Last evaluated: 2024-10-18. Review status: criteria provided, single submitter. Criteria: Ambry Variant Classification Scheme 2023. Collection method: clinical testing. Allele origin: germline.
Comment: The p.A530P variant (also known as c.1588G>C), located in coding exon 12 of the POT1 gene, results from a G to C substitution at nucleotide position 1588. The alanine at codon 530 is replaced by proline, an amino acid with highly similar properties. This amino acid position is conserved. In addition, the in silico prediction for this alteration is inconclusive. Based on the available evidence, the clinical significance of this variant remains unclear.